The following is an entry in ClinVar:

ClinVar aggregate classification (germline): Benign. Review status: criteria provided, multiple submitters, no conflicts (2 of 4 stars). 2 submissions from 2 submitters: Benign (2). Last evaluated 2018-01-13.

Conditions:
Oligodontia-cancer predisposition syndrome. Also called: TOOTH AGENESIS-COLORECTAL CANCER SYNDROME. Identifiers: Orphanet 300576, MedGen C1837750, MONDO:0012075, OMIM 608615. Disease mechanism: loss of function.

Allele frequency attached by ClinVar (database versions not stated): gnomAD 0.49161 and 0.48929; TOPMed 0.48056; gnomAD exomes 0.56095; 1000 Genomes Project 30x 0.42130; 1000 Genomes Project 0.42173.
gnomAD v4.1: 142,157 of 271,810 alleles (52%); highest among the groups gnomAD compares: Non-Finnish European, 60%; 40,021 homozygotes.

Submissions (5):

Illumina Laboratory Services, Illumina
Classification: Benign for Oligodontia-cancer predisposition syndrome. Last evaluated: 2018-01-13. Review status: criteria provided, single submitter. Criteria: ICSL Variant Classification Criteria 13 December 2019. Collection method: clinical testing. Allele origin: germline.
Comment: This variant was observed in the ICSL laboratory as part of a predisposition screen in an ostensibly healthy population. It had not been previously curated by ICSL or reported in the Human Gene Mutation Database (HGMD: prior to June 1st, 2018), and was therefore a candidate for classification through an automated scoring system. Utilizing variant allele frequency, disease prevalence and penetrance estimates, and inheritance mode, an automated score was calculated to assess if this variant is too frequent to cause the disease. Based on the score and internal cut-off values, a variant classified as benign is not then subjected to further curation. The score for this variant resulted in a classification of benign for this disease.

Breakthrough Genomics
Classification: Benign. Review status: criteria provided, single submitter. Criteria: ACMG Guidelines, 2015. Collection method: not provided. Allele origin: germline. Inheritance: Autosomal dominant inheritance. Affected: yes.

Dr. Peter K. Rogan Lab, Western University
No classification provided (evidence only). Condition: Lung cancer. Review status: no classification provided. Collection method: in vitro. Allele origin: not applicable. Functional consequence: retained intron. Not counted in ClinVar's aggregate classification.

Dr. Peter K. Rogan Lab, Western University
No classification provided (evidence only). Condition: Familial prostate cancer. Review status: no classification provided. Collection method: in vitro. Allele origin: not applicable. Functional consequence: retained intron. Not counted in ClinVar's aggregate classification.

Dr. Peter K. Rogan Lab, Western University
No classification provided (evidence only). Condition: Uterine carcinosarcoma. Review status: no classification provided. Collection method: in vitro. Allele origin: not applicable. Functional consequence: retained intron. Not counted in ClinVar's aggregate classification.

NM_004655.4(AXIN2):c.*1012T>A

Gene: AXIN2 (axin 2; minus strand). Cytogenetic location: 17q24.1.
Variant type: single nucleotide variant.
Coding change: c.*1012T>A on transcript NM_004655.4 (MANE Select); 1012 bases downstream of the stop codon, T replaced by A.
Molecular consequence: 3 prime UTR variant.
Genome position (GRCh38, 1-based): chr17:65,528,964, A>T on the plus strand (T>A on the coding strand, the complement: AXIN2 is on the minus strand). VCF-style: chr17-65528964-A-T. GRCh37 (hg19) VCF-style: chr17-63525082-A-T.
Other names: NC_000017.10:g.63525082A>T; c.*1012T>A (LRG_296t1, NM_001363813.1).
Identifiers: ClinVar variation 324630 (VCV000324630.7), dbSNP rs7591, ClinGen allele CA10649913.